The following is an entry in ClinVar:

NM_007294.4(BRCA1):c.5086G>A (p.Val1696Met)

Gene: BRCA1 (BRCA1 DNA repair associated; minus strand). Cytogenetic location: 17q21.31.
Variant type: single nucleotide variant.
Coding change: c.5086G>A on transcript NM_007294.4 (MANE Select); coding-DNA position 5086, G replaced by A.
Protein change: p.Val1696Met; replaces valine 1696 with methionine.
Molecular consequence: missense variant. On other transcripts: non-coding transcript variant (1).
Genome position (GRCh38, 1-based): chr17:43,063,940, C>T on the plus strand (G>A on the coding strand, the complement: BRCA1 is on the minus strand). VCF-style: chr17-43063940-C-T. GRCh37 (hg19) VCF-style: chr17-41215957-C-T.
Other names: c.1843G>A, p.Val615Met (NM_001407971.1, NM_001407970.1); c.1840G>A, p.Val614Met (NM_001407972.1); c.1777G>A, p.Val593Met (NM_001407973.1, NM_001407974.1, NM_001407975.1 and 3 more transcripts); c.1774G>A, p.Val592Met (NM_001407985.1, NM_001407986.1, NM_001407990.1 and 13 more transcripts); c.1771G>A, p.Val591Met (NM_001408392.1, NM_001408396.1, NM_001408397.1 and 8 more transcripts); c.1765G>A, p.Val589Met (NM_001408409.1); c.1702G>A, p.Val568Met (NM_001408410.1); c.1699G>A, p.Val567Met (NM_001408411.1); and 71 more; short protein forms V1696M, V1717M, V592M, V1649M, V1567M, V1606M, V1625M, V1626M.
Identifiers: ClinVar variation 409346 (VCV000409346.12), dbSNP rs80357125, ClinGen allele CA10591350.

ClinVar aggregate classification (germline): Uncertain significance (1 of 4 stars; one submission).

Conditions:
Hereditary breast ovarian cancer syndrome. Also called: Hereditary breast and ovarian cancer syndrome; Breast and ovarian cancer; Hereditary breast and ovarian cancer syndrome (HBOC); Hereditary breast and/or ovarian cancer syndrome; BRCA1- and BRCA2-Associated Hereditary Breast and Ovarian Cancer; Hereditary breast and ovarian cancer. Identifiers: Orphanet 145, MedGen C0677776, MeSH D061325, MONDO:0003582. Disease mechanism: loss of function.

Submissions (2):

Labcorp Genetics (formerly Invitae), Labcorp
Classification: Uncertain significance for Hereditary breast ovarian cancer syndrome. Last evaluated: 2022-02-19. Review status: criteria provided, single submitter. Criteria: Invitae Variant Classification Sherloc (09022015). Collection method: clinical testing. Allele origin: germline.
Comment: In summary, the available evidence is currently insufficient to determine the role of this variant in disease. Therefore, it has been classified as a Variant of Uncertain Significance. Experimental studies have shown that this missense change does not substantially affect BRCA1 function (PMID: 30209399). Advanced modeling of protein sequence and biophysical properties (such as structural, functional, and spatial information, amino acid conservation, physicochemical variation, residue mobility, and thermodynamic stability) performed at Invitae indicates that this missense variant is expected to disrupt BRCA1 protein function. ClinVar contains an entry for this variant (Variation ID: 409346). This variant has not been reported in the literature in individuals affected with BRCA1-related conditions. This variant is not present in population databases (gnomAD no frequency). This sequence change replaces valine, which is neutral and non-polar, with methionine, which is neutral and non-polar, at codon 1696 of the BRCA1 protein (p.Val1696Met).

Brotman Baty Institute, University of Washington
No classification provided (evidence only). Condition: Breast-ovarian cancer, familial 1. Review status: no classification provided. Collection method: in vitro. Allele origin: not applicable. Functional consequence: functionally_normal. Not counted in ClinVar's aggregate classification.
ClinVar note: "not provided" was previously submitted as the classification for the variant. However, the classification appeared to be based only on an observation of functional data so it was converted to no classification on 2025-07-30.

Literature cited by the submitters: PubMed 30209399 (cited by Labcorp Genetics (formerly Invitae), Labcorp).